The following is an entry in ClinVar:

ClinVar aggregate classification (germline): Benign. Review status: criteria provided, multiple submitters, no conflicts (2 of 4 stars). 11 submissions from 11 submitters: Benign (9). 2 of the submissions do not count toward it. Last evaluated 2026-02-04.

Conditions:
Nephronophthisis. Also called: Juvenile Nephronophthisis. Identifiers: Orphanet 655, MedGen C0687120, MONDO:0019005, HP:0000090.
Senior-Loken syndrome 5 (SLSN5). Identifiers: Orphanet 3156, MedGen C1836517, MONDO:0012225, OMIM 609254.

Allele frequency attached by ClinVar (database versions not stated): ESP Exome Variant Server 0.23704; gnomAD 0.25469 and 0.25973; gnomAD exomes 0.25557 and 0.29989; TOPMed 0.26771; ExAC 0.28893; 1000 Genomes Project 30x 0.30231; 1000 Genomes Project 0.30272.
gnomAD v4.1: 412,615 of 1,612,350 alleles (26%); highest among the groups gnomAD compares: Admixed American, 52%; 57,176 homozygotes.

Submissions (11):

Labcorp Genetics (formerly Invitae), Labcorp
Classification: Benign for Nephronophthisis. Last evaluated: 2026-02-04. Review status: criteria provided, single submitter. Criteria: Invitae Variant Classification Sherloc (09022015). Collection method: clinical testing. Allele origin: germline.

Blueprint Genetics
Classification: Benign. Last evaluated: 2024-11-27. Review status: criteria provided, single submitter. Criteria: ACMG Guidelines, 2015. Collection method: clinical testing. Allele origin: germline.

Mayo Clinic Laboratories, Mayo Clinic
Classification: Benign. Last evaluated: 2022-03-09. Review status: criteria provided, single submitter. Criteria: ACMG Guidelines, 2015. Collection method: clinical testing. Allele origin: germline. Observed: 94 variant alleles.

Genome-Nilou Lab
Classification: Benign for Senior-Loken syndrome 5. Last evaluated: 2021-08-19. Review status: criteria provided, single submitter. Criteria: ACMG Guidelines, 2015. Collection method: clinical testing. Allele origin: germline. Affected: no.

Mendelics
Classification: Benign for Senior-Loken syndrome 5. Last evaluated: 2019-05-28. Review status: criteria provided, single submitter. Criteria: Mendelics Assertion Criteria 2017. Collection method: clinical testing. Allele origin: unknown.

GeneDx
Classification: Benign. Last evaluated: 2018-11-12. Review status: criteria provided, single submitter. Criteria: GeneDx Variant Classification Process June 2021. Collection method: clinical testing. Allele origin: germline. Affected: yes.

Illumina Laboratory Services, Illumina
Classification: Benign for Senior-Loken syndrome 5. Last evaluated: 2018-01-12. Review status: criteria provided, single submitter. Criteria: ICSL Variant Classification Criteria 13 December 2019. Collection method: clinical testing. Allele origin: germline.
Comment: This variant was observed in the ICSL laboratory as part of a predisposition screen in an ostensibly healthy population. It had not been previously curated by ICSL or reported in the Human Gene Mutation Database (HGMD: prior to June 1st, 2018), and was therefore a candidate for classification through an automated scoring system. Utilizing variant allele frequency, disease prevalence and penetrance estimates, and inheritance mode, an automated score was calculated to assess if this variant is too frequent to cause the disease. Based on the score and internal cut-off values, a variant classified as benign is not then subjected to further curation. The score for this variant resulted in a classification of benign for this disease.

Breakthrough Genomics
Classification: Benign. Review status: criteria provided, single submitter. Criteria: ACMG Guidelines, 2015. Collection method: not provided. Allele origin: germline. Inheritance: Autosomal recessive inheritance. Affected: yes.

PreventionGenetics, part of Exact Sciences
Classification: Benign. Review status: criteria provided, single submitter. Criteria: ACMG Guidelines, 2015. Collection method: clinical testing. Allele origin: germline.

Clinical Genetics DNA and cytogenetics Diagnostics Lab, Erasmus MC, Erasmus Medical Center
Classification: Benign. Review status: no assertion criteria provided. Collection method: clinical testing. Allele origin: germline. Affected: yes. Study: VKGL Data-share Consensus. Not counted in ClinVar's aggregate classification.

Joint Genome Diagnostic Labs from Nijmegen and Maastricht, Radboudumc and MUMC+
Classification: Benign. Review status: no assertion criteria provided. Collection method: clinical testing. Allele origin: germline. Affected: yes. Study: VKGL Data-share Consensus. Not counted in ClinVar's aggregate classification.

NM_001023570.4(IQCB1):c.1301G>A (p.Cys434Tyr)

Gene: IQCB1 (IQ motif containing B1; minus strand). Cytogenetic location: 3q13.33.
Variant type: single nucleotide variant.
Coding change: c.1301G>A on transcript NM_001023570.4 (MANE Select); coding-DNA position 1301, G replaced by A.
Protein change: p.Cys434Tyr; replaces cysteine 434 with tyrosine.
Molecular consequence: missense variant. On other transcripts: non-coding transcript variant (1).
Genome position (GRCh38, 1-based): chr3:121,781,852, C>T on the plus strand (G>A on the coding strand, the complement: IQCB1 is on the minus strand). VCF-style: chr3-121781852-C-T. GRCh37 (hg19) VCF-style: chr3-121500699-C-T.
Other names: c.902G>A, p.Cys301Tyr (NM_001023571.4); c.1301G>A, p.Cys434Tyr (NM_001319107.2); short protein forms C434Y, C301Y.
Identifiers: ClinVar variation 257090 (VCV000257090.28), dbSNP rs17849995, ClinGen allele CA2567130.